The following is an entry in ClinVar:

NM_022167.4(XYLT2):c.728G>A (p.Arg243His)

Gene: XYLT2 (xylosyltransferase 2; plus strand). Cytogenetic location: 17q21.33.
Variant type: single nucleotide variant.
Coding change: c.728G>A on transcript NM_022167.4 (MANE Select); coding-DNA position 728, G replaced by A.
Protein change: p.Arg243His; replaces arginine 243 with histidine.
Molecular consequence: missense variant.
Genome position (GRCh38, 1-based): chr17:50,354,507, G>A. VCF-style: chr17-50354507-G-A. GRCh37 (hg19) VCF-style: chr17-48431868-G-A.
Other names: short protein forms R243H.
Identifiers: ClinVar variation 1358476 (VCV001358476.5), dbSNP rs1315395627, ClinGen allele CA8646245.

ClinVar aggregate classification (germline): Uncertain significance. Review status: criteria provided, multiple submitters, no conflicts (2 of 4 stars). 3 submissions from 3 submitters: Uncertain significance (3). Last evaluated 2024-02-12.

Conditions:
Inborn genetic diseases. Identifiers: MedGen C0950123, MeSH D030342.

Allele frequency attached by ClinVar (database versions not stated): ExAC 0.00002; gnomAD 0.00001; gnomAD exomes 0.00002; TOPMed 0.00002.
gnomAD v4.1: 27 of 1,613,208 alleles (0.0017%); highest among the groups gnomAD compares: Middle Eastern, 0.067%; no homozygotes.

Submissions (3):

Ambry Genetics
Classification: Uncertain significance for Inborn genetic diseases. Last evaluated: 2024-02-12. Review status: criteria provided, single submitter. Criteria: Ambry Variant Classification Scheme 2023. Collection method: clinical testing. Allele origin: germline.

Labcorp Genetics (formerly Invitae), Labcorp
Classification: Uncertain significance. Last evaluated: 2021-08-12. Review status: criteria provided, single submitter. Criteria: Invitae Variant Classification Sherloc (09022015). Collection method: clinical testing. Allele origin: germline.
Comment: This sequence change replaces arginine with histidine at codon 243 of the XYLT2 protein (p.Arg243His). The arginine residue is highly conserved and there is a small physicochemical difference between arginine and histidine. This variant is present in population databases (no rsID available, ExAC 0.009%). This variant has not been reported in the literature in individuals affected with XYLT2-related conditions. Algorithms developed to predict the effect of missense changes on protein structure and function are either unavailable or do not agree on the potential impact of this missense change (SIFT: "Deleterious"; PolyPhen-2: "Probably Damaging"; Align-GVGD: "Class C0"). In summary, the available evidence is currently insufficient to determine the role of this variant in disease. Therefore, it has been classified as a Variant of Uncertain Significance.

Breakthrough Genomics
Classification: Uncertain significance. Review status: criteria provided, single submitter. Criteria: ACMG Guidelines, 2015. Collection method: not provided. Allele origin: germline. Inheritance: Autosomal recessive inheritance. Affected: yes.